The following is an entry in ClinVar:

ClinVar aggregate classification (germline): Likely benign (1 of 4 stars; one submission).

Conditions:
Familial cancer of breast. Also called: BREAST CANCER, FAMILIAL; Hereditary breast cancer; hereditary breast carcinoma. Identifiers: Orphanet 227535, MedGen C0346153, MONDO:0016419, OMIM 114480. Disease mechanism: loss of function.

Submission:

Myriad Genetics, Inc.
Classification: Likely benign for Familial cancer of breast. Last evaluated: 2024-04-17. Review status: criteria provided, single submitter. Criteria: Myriad Autosomal Dominant, Autosomal Recessive and X-Linked Classification Criteria (2023). Collection method: clinical testing. Allele origin: unknown.
Comment: This variant is considered likely benign. This variant is intronic and is not expected to impact mRNA splicing.

NM_000051.4(ATM):c.73-10T>C

Gene: ATM (ATM serine/threonine kinase; plus strand). Cytogenetic location: 11q22.3.
Variant type: single nucleotide variant.
Coding change: c.73-10T>C on transcript NM_000051.4 (MANE Select); 10 bases into the intron before coding-DNA position 73, T replaced by C.
Molecular consequence: intron variant.
Genome position (GRCh38, 1-based): chr11:108,227,766, T>C. VCF-style: chr11-108227766-T-C. GRCh37 (hg19) VCF-style: chr11-108098493-T-C.
Other names: c.73-10T>C (NM_001351834.2, NM_001351835.2, NM_001351836.2).
Identifiers: ClinVar variation 3254058 (VCV003254058.1), dbSNP rs2135009990.
Genomic context (GRCh38, chr11:108,227,766, plus strand): 5'-TACTTAAATTCAATTTTTCCTTGAAATAAGTGTGATTAGTAACCCATTATTATTTCCTTT[T>C]TATTTTCAGAAAGAAGTTGAGAAATTTAAGCGCCTGATTCGAGATCCTGAAACAATTAAA-3'